The following is an entry in ClinVar:

ClinVar aggregate classification (germline): Pathogenic. Review status: criteria provided, multiple submitters, no conflicts (2 of 4 stars). 4 submissions from 4 submitters: Pathogenic (4). Last evaluated 2026-06-23.

Conditions:
Hereditary cancer-predisposing syndrome. Also called: Hereditary Cancer Syndrome; Neoplastic Syndromes, Hereditary; Tumor predisposition; Hereditary neoplastic syndrome. Identifiers: Orphanet 140162, MedGen C0027672, MeSH D009386, MONDO:0015356.
Familial cancer of breast. Also called: BREAST CANCER, FAMILIAL; Hereditary breast cancer; hereditary breast carcinoma. Identifiers: Orphanet 227535, MedGen C0346153, MONDO:0016419, OMIM 114480. Disease mechanism: loss of function.
Ataxia-telangiectasia syndrome (AT). Also called: Cerebello-oculocutaneous telangiectasia; Immunodeficiency with ataxia telangiectasia; Ataxia-telangiectasia, complementation group E; Ataxia-telangiectasia, complementation group D; AT, COMPLEMENTATION GROUP C; ATAXIA-TELANGIECTASIA, COMPLEMENTATION GROUP A. Identifiers: Orphanet 100, MedGen C0004135, MONDO:0008840, OMIM 208900.

Allele frequency attached by ClinVar (database versions not stated): ExAC 0.00001.

Submissions (4):

Ambry Genetics
Classification: Pathogenic for Hereditary cancer-predisposing syndrome. Last evaluated: 2026-06-23. Review status: criteria provided, single submitter. Criteria: Ambry Variant Classification Scheme 2023. Collection method: clinical testing. Allele origin: germline.
Comment: The c.8440delG pathogenic mutation, located in coding exon 57 of the ATM gene, results from a deletion of one nucleotide at nucleotide position 8440, causing a translational frameshift with a predicted alternate stop codon (p.E2814Kfs*43). This variant is considered to be rare based on population cohorts in the Genome Aggregation Database (gnomAD). This alteration is expected to result in loss of function by premature protein truncation or nonsense-mediated mRNA decay. As such, this alteration is interpreted as a disease-causing mutation.

CeGaT Center for Human Genetics Tuebingen
Classification: Pathogenic. Last evaluated: 2025-08-01. Review status: criteria provided, single submitter. Criteria: CeGaT Center For Human Genetics Tuebingen Variant Classification Criteria Version 2. Collection method: clinical testing. Allele origin: germline. Affected: yes. Observed: 1 variant allele.
Comment: ATM: PVS1, PM2, PS4:Moderate

Labcorp Genetics (formerly Invitae), Labcorp
Classification: Pathogenic for Ataxia-telangiectasia syndrome. Last evaluated: 2023-10-15. Review status: criteria provided, single submitter. Criteria: Invitae Variant Classification Sherloc (09022015). Collection method: clinical testing. Allele origin: germline.
Comment: This sequence change creates a premature translational stop signal (p.Glu2814Lysfs*43) in the ATM gene. It is expected to result in an absent or disrupted protein product. Loss-of-function variants in ATM are known to be pathogenic (PMID: 23807571, 25614872). This variant is present in population databases (rs752526400, gnomAD 0.0009%). This premature translational stop signal has been observed in individual(s) with ataxia-telangiectasia and/or breast cancer (PMID: 25614872, 36451132). This variant is also known as c.8441delG. ClinVar contains an entry for this variant (Variation ID: 573715). For these reasons, this variant has been classified as Pathogenic.

Baylor Genetics
Classification: Pathogenic for Familial cancer of breast. Last evaluated: 2020-10-30. Review status: criteria provided, single submitter. Criteria: ACMG Guidelines, 2015. Collection method: clinical testing. Allele origin: unknown.

Literature cited by the submitters: PubMed 23807571 (cited by Labcorp Genetics (formerly Invitae), Labcorp); PubMed 25614872 (cited by Labcorp Genetics (formerly Invitae), Labcorp); PubMed 36451132 (cited by Labcorp Genetics (formerly Invitae), Labcorp).

NM_000051.4(ATM):c.8440del (p.Glu2814fs)

Genes: ATM (ATM serine/threonine kinase; plus strand), C11orf65 (chromosome 11 open reading frame 65; minus strand). Cytogenetic location: 11q22.3.
Variant type: Deletion.
Coding change: c.8440del on transcript NM_000051.4 (MANE Select); coding-DNA position 8440, one base deleted (G; older notation c.8440delG).
Protein change: p.Glu2814fs; shifts the reading frame from glutamic acid 2814.
Molecular consequence: frameshift variant. On other transcripts: intron variant (2).
Genome position (GRCh38, 1-based): chr11:108,345,764, G deleted. VCF-style (leftmost placement, unchanged base first): chr11-108345763-TG-T. GRCh37 (hg19) VCF-style: chr11-108216490-TG-T.
Other names: c.8440del, p.Glu2814fs (NM_001351834.2); c.641-36693del (NM_001330368.2); c.695-10472del (NM_001351110.2); short protein forms E2814fs.
Identifiers: ClinVar variation 573715 (VCV000573715.17), dbSNP rs752526400, ClinGen allele CA6266371.